The following is an entry in ClinVar:

ClinVar aggregate classification (germline): Likely pathogenic (1 of 4 stars; one submission).

Submission:

GeneDx
Classification: Likely pathogenic. Last evaluated: 2015-11-25. Review status: criteria provided, single submitter. Criteria: GeneDx Variant Classification (06012015). Collection method: clinical testing. Allele origin: germline. Affected: yes.
Comment: The T646R variant in the GRIN2A gene has not been reported previously as a pathogenic variant, nor as a benign variant, to our knowledge. The T646R variant was not observed in approximately 6,500 individuals of European and African American ancestry in the NHLBI Exome Sequencing Project, indicating it is not a common benign variant in these populations. The T646R variant is a semi-conservative amino acid substitution, which may impact secondary protein structure as these residues differ in some properties. This substitution occurs at a position that is conserved across species. In silico analysis predicts this variant is probably damaging to the protein structure/function. A missense variant in a nearby residue (L649V) has been reported in the Human Gene Mutation Database in association with intellectual disability (Stenson et al., 2014), supporting the functional importance of this region of the protein, however the possibility it may be a rare benign variant cannot be excluded.

NM_001134407.3(GRIN2A):c.1937C>G (p.Thr646Arg)

Gene: GRIN2A (glutamate ionotropic receptor NMDA type subunit 2A; minus strand). Cytogenetic location: 16p13.2.
Variant type: single nucleotide variant.
Coding change: c.1937C>G on transcript NM_001134407.3 (MANE Select); coding-DNA position 1937, C replaced by G.
Protein change: p.Thr646Arg; replaces threonine 646 with arginine.
Molecular consequence: missense variant.
Genome position (GRCh38, 1-based): chr16:9,829,493, G>C on the plus strand (C>G on the coding strand, the complement: GRIN2A is on the minus strand). VCF-style: chr16-9829493-G-C. GRCh37 (hg19) VCF-style: chr16-9923350-G-C.
Other names: c.1937C>G, p.Thr646Arg (NM_000833.5, NM_001134408.2); short protein forms T646R.
Identifiers: ClinVar variation 432031 (VCV000432031.2), dbSNP rs1000800098, ClinGen allele CA394799337.